The following is an entry in ClinVar:

NM_005045.4(RELN):c.381T>C (p.Ser127=)

Gene: RELN (reelin; minus strand). Cytogenetic location: 7q22.1.
Variant type: single nucleotide variant.
Coding change: c.381T>C on transcript NM_005045.4 (MANE Select); coding-DNA position 381, T replaced by C.
Protein change: p.Ser127=; no amino-acid change (serine 127 retained).
Molecular consequence: synonymous variant.
Genome position (GRCh38, 1-based): chr7:103,833,629, A>G on the plus strand (T>C on the coding strand, the complement: RELN is on the minus strand). VCF-style: chr7-103833629-A-G. GRCh37 (hg19) VCF-style: chr7-103474076-A-G.
Other names: c.381T>C, p.Ser127= (NM_173054.3).
Identifiers: ClinVar variation 2500076 (VCV002500076.2), dbSNP rs746953713, ClinGen allele CA457137235.

ClinVar aggregate classification (germline): Uncertain significance (1 of 4 stars; one submission).

Conditions:
Norman-Roberts syndrome (LIS2). Also called: Lissencephaly 2 (Norman-Roberts type). Identifiers: Orphanet 89844, MedGen C0796089, MONDO:0009760, OMIM 257320.
Familial temporal lobe epilepsy 7. Identifiers: Orphanet 101046, MedGen C4225327, MONDO:0014639, OMIM 616436.

Allele frequency attached by ClinVar (database versions not stated): TOPMed below 0.00001; gnomAD 0.00001.
gnomAD v4.1: 1 of 1,613,602 alleles (0.000062%); highest among the groups gnomAD compares: Non-Finnish European, 0.000085%; no homozygotes.

Submission:

Center for Genomics, Ann and Robert H. Lurie Children's Hospital of Chicago
Classification: Uncertain significance for Familial temporal lobe epilepsy 7; Norman-Roberts syndrome. Review status: criteria provided, single submitter. Criteria: ACMG Guidelines, 2015. Collection method: clinical testing. Allele origin: germline.
Comment: This variant has not been reported in the literature but is present in the Genome Aggregation Database (Highest reported MAF 0.001% (1/68038). Evolutionary conservation and computational predictive tools for this variant are limited or unavailable. Of note, this variant is a silent variant and does not change the amino acid, reducing the probability that this variant is disease causing. In summary, data on this variant is insufficient for disease classification. Therefore, the clinical significance of this variant is uncertain.